The following is an entry in ClinVar:

NC_000006.11:g.(65655808_65707474)_(65767621_66005755)del

Gene: EYS (EGF-like photoreceptor maintenance factor; minus strand). Cytogenetic location: 6q12.
Variant type: Deletion.
Identifiers: ClinVar variation 4688505 (VCV004688505.1).

ClinVar aggregate classification (germline): Pathogenic (1 of 4 stars; one submission).

Conditions:
Retinitis pigmentosa (RP). Identifiers: Orphanet 791, MedGen C0035334, MeSH D012174, MONDO:0019200, OMIM 268000. Inheritance: Autosomal dominant, autosomal recessive and X linked inheritance.

Submission:

Women's Health and Genetics/Laboratory Corporation of America, LabCorp
Classification: Pathogenic for Retinitis pigmentosa. Last evaluated: 2025-12-08. Review status: criteria provided, single submitter. Criteria: LabCorp Variant Classification Summary - May 2015. Collection method: clinical testing. Allele origin: germline.
Comment: Variant summary: The variant involves the deletion of exons 13-14 in the EYS gene. This Copy Number Variant (CNV) is expected to alter the reading frame and predicted to result in a truncation or absence of the encoded protein due to nonsense mediated decay (NMD). Loss-of-function variants in this gene are known to be pathogenic. A presumed nomenclature of c.(2023+1_2024-1)_(2259+1_2260-1)del has been designated for the purposes of this classification. The variant allele was found at a frequency of 4.6e-05 in 21694 control chromosomes. c.(2023+1_2024-1)_(2259+1_2260-1)del has been observed in individual(s) affected with Retinitis Pigmentosa (example: Pieras_2011). These data indicate that the variant may be associated with disease. The following publication has been ascertained in the context of this evaluation (PMID: 21519034). ClinVar contains an entry for this variant (Variation ID: 830607). Based on the evidence outlined above, the variant was classified as pathogenic.

Literature cited by the submitters: PubMed 21519034.